The following is an entry in ClinVar:

NM_005120.3(MED12):c.2608G>A (p.Val870Met)

Gene: MED12 (mediator complex subunit 12; plus strand). Cytogenetic location: Xq13.1.
Variant type: single nucleotide variant.
Coding change: c.2608G>A on transcript NM_005120.3 (MANE Select); coding-DNA position 2608, G replaced by A.
Protein change: p.Val870Met; replaces valine 870 with methionine.
Molecular consequence: missense variant.
Genome position (GRCh38, 1-based): chrX:71,126,407, G>A. VCF-style: chrX-71126407-G-A. GRCh37 (hg19) VCF-style: chrX-70346257-G-A.
Other names: short protein forms V870M.
Identifiers: ClinVar variation 3693749 (VCV003693749.2).

ClinVar aggregate classification (germline): Uncertain significance (1 of 4 stars; one submission).

Conditions:
FG syndrome (FGS). Identifiers: MedGen C0220769, MONDO:0002010.

Submission:

Labcorp Genetics (formerly Invitae), Labcorp
Classification: Uncertain significance for FG syndrome. Last evaluated: 2025-04-07. Review status: criteria provided, single submitter. Criteria: Invitae Variant Classification Sherloc (09022015). Collection method: clinical testing. Allele origin: germline.
Comment: This sequence change replaces valine, which is neutral and non-polar, with methionine, which is neutral and non-polar, at codon 870 of the MED12 protein (p.Val870Met). This variant is not present in population databases (gnomAD no frequency). This variant has not been reported in the literature in individuals affected with MED12-related conditions. ClinVar contains an entry for this variant (Variation ID: 3693749). Invitae Evidence Modeling of protein sequence and biophysical properties (such as structural, functional, and spatial information, amino acid conservation, physicochemical variation, residue mobility, and thermodynamic stability) has been performed for this missense variant. However, the output from this modeling did not meet the statistical confidence thresholds required to predict the impact of this variant on MED12 protein function. In summary, the available evidence is currently insufficient to determine the role of this variant in disease. Therefore, it has been classified as a Variant of Uncertain Significance.